The following is an entry in ClinVar:

NM_031935.3(HMCN1):c.5741A>G (p.His1914Arg)

Gene: HMCN1 (hemicentin 1; plus strand). Cytogenetic location: 1q31.1.
Variant type: single nucleotide variant.
Coding change: c.5741A>G on transcript NM_031935.3 (MANE Select); coding-DNA position 5741, A replaced by G.
Protein change: p.His1914Arg; replaces histidine 1914 with arginine.
Molecular consequence: missense variant.
Genome position (GRCh38, 1-based): chr1:186,023,145, A>G. VCF-style: chr1-186023145-A-G. GRCh37 (hg19) VCF-style: chr1-185992277-A-G.
Other names: short protein forms H1914R.
Identifiers: ClinVar variation 1521604 (VCV001521604.6), dbSNP rs563890233, ClinGen allele CA1292347.

ClinVar aggregate classification (germline): Uncertain significance (1 of 4 stars; one submission).

Allele frequency attached by ClinVar (database versions not stated): 1000 Genomes Project 30x 0.00016; 1000 Genomes Project 0.00020; gnomAD 0.00001; TOPMed 0.00001; ExAC 0.00002; gnomAD exomes 0.00002.
gnomAD v4.1: 12 of 1,613,002 alleles (0.00074%); highest among the groups gnomAD compares: Admixed American, 0.0017%; no homozygotes.

Submission:

Labcorp Genetics (formerly Invitae), Labcorp
Classification: Uncertain significance. Last evaluated: 2022-06-13. Review status: criteria provided, single submitter. Criteria: Invitae Variant Classification Sherloc (09022015). Collection method: clinical testing. Allele origin: germline.
Comment: This sequence change replaces histidine, which is basic and polar, with arginine, which is basic and polar, at codon 1914 of the HMCN1 protein (p.His1914Arg). This variant is present in population databases (rs563890233, gnomAD 0.007%). This variant has not been reported in the literature in individuals affected with HMCN1-related conditions. Algorithms developed to predict the effect of missense changes on protein structure and function output the following: SIFT: "Tolerated"; PolyPhen-2: "Possibly Damaging"; Align-GVGD: "Class C0". The arginine amino acid residue is found in multiple mammalian species, which suggests that this missense change does not adversely affect protein function. In summary, the available evidence is currently insufficient to determine the role of this variant in disease. Therefore, it has been classified as a Variant of Uncertain Significance.